The following is an entry in ClinVar:

NM_004360.5(CDH1):c.2295+4_2439+1343del

Gene: CDH1 (cadherin 1; plus strand). Cytogenetic location: 16q22.1.
Variant type: Deletion.
Coding change: c.2295+4_2439+1343del on transcript NM_004360.5 (MANE Select); 4 bases into the intron after coding-DNA position 2295 through 1343 bases into the intron after coding-DNA position 2439, 2,833 bases deleted.
Molecular consequence: splice acceptor variant, splice donor variant.
Genome position (GRCh38, 1-based): chr16:68,828,308-68,831,140, 2,833 bases deleted. GRCh37 (hg19): chr16:68,862,211-68,865,043.
Other names: c.747+4_891+1343del (NM_001317185.2); c.330+4_474+1343del (NM_001317186.2); c.2112+4_2256+1343del (NM_001317184.2).
Identifiers: ClinVar variation 936565 (VCV000936565.1), ClinGen allele CA1139664770.

ClinVar aggregate classification (germline): Uncertain significance (1 of 4 stars; one submission).

Conditions:
Hereditary diffuse gastric adenocarcinoma (HDGC). Also called: DIFFUSE GASTRIC AND LOBULAR BREAST CANCER SYNDROME. Identifiers: Orphanet 26106, MedGen C1708349, MONDO:0007648, OMIM 137215.

Submission:

Labcorp Genetics (formerly Invitae), Labcorp
Classification: Uncertain significance for Hereditary diffuse gastric cancer. Last evaluated: 2019-06-27. Review status: criteria provided, single submitter. Criteria: Invitae Variant Classification Sherloc (09022015). Collection method: clinical testing. Allele origin: germline.
Comment: This variant is an in-frame deletion of the genomic region encompassing exon 15 of the CDH1 gene. It preserves the integrity of the reading frame. This variant has not been reported in the literature in individuals with CDH1-related conditions. This variant removes 48 amino acids (residues 766-813) from the cytoplasmic tail of E-cadherin, deleting part of the p120-catenin binding region (residues 736-781) and part of the Hakai binding region (residues 734-798) of E-cadherin (PMID: 19268661, 22850631, 20371349, 29231860, 27624909). These two regions are involved in E-cadherin membrane trafficking and protein turnover. However, functional studies have not been performed to directly test the effects of this variant on CDH1 protein function, and the clinical significance of this variant remains uncertain. In summary, the available evidence is currently insufficient to determine the role of this variant in disease. Therefore, it has been classified as a Variant of Uncertain Significance.

Literature cited by the submitters: PubMed 19268661; PubMed 20371349; PubMed 22850631; PubMed 27624909; PubMed 29231860.